The following is an entry in ClinVar:

NM_017739.4(POMGNT1):c.1001_1002del (p.Thr334fs)

Genes: POMGNT1 (protein O-linked mannose N-acetylglucosaminyltransferase 1 (beta 1,2-); minus strand), TSPAN1 (tetraspanin 1; plus strand). Cytogenetic location: 1p34.1.
Variant type: Deletion.
Coding change: c.1001_1002del on transcript NM_017739.4 (MANE Select); coding-DNA positions 1001 to 1002, 2 bases deleted (CA; older notation c.1001_1002delCA).
Protein change: p.Thr334fs; shifts the reading frame from threonine 334.
Molecular consequence: frameshift variant.
Genome position (GRCh38, 1-based): chr1:46,193,588-46,193,589, TG deleted on the plus strand (CA on the coding strand, the reverse complement: POMGNT1 is on the minus strand); deleting any 2 consecutive bases within chr1:46,193,588-46,193,590 gives the same sequence; the c. name uses the placement nearest the transcript's 3' end. VCF-style (leftmost placement, unchanged base first): chr1-46193587-CTG-C. GRCh37 (hg19) VCF-style: chr1-46659259-CTG-C.
Other names: c.1001_1002delCA (NM_017739.3); c.1001_1002del, p.Thr334fs (NM_001243766.2, NM_001410783.1); c.934_935delAC, p.Thr312Serfs (NM_001290129.3); c.572_573del, p.Thr191fs (NM_001290130.2); short protein forms T334fs, T191fs, T312fs.
Identifiers: ClinVar variation 651215 (VCV000651215.10), dbSNP rs1571659306, ClinGen allele CA915941286.

ClinVar aggregate classification (germline): Pathogenic/Likely pathogenic. Review status: criteria provided, multiple submitters, no conflicts (2 of 4 stars). 2 submissions from 2 submitters: Pathogenic (1); Likely pathogenic (1). Last evaluated 2024-01-09.

Conditions:
Autosomal recessive limb-girdle muscular dystrophy type 2O. Also called: Limb-Girdle Muscular Dystrophy Type 3C; MUSCULAR DYSTROPHY-DYSTROGLYCANOPATHY, LIMB-GIRDLE, POMGNT1-RELATED; MUSCULAR DYSTROPHY-DYSTROGLYCANOPATHY (LIMB-GIRDLE), TYPE C, 3. Identifiers: Orphanet 206564, MedGen C3150417, MONDO:0013161, OMIM 613157.
Muscular dystrophy-dystroglycanopathy (congenital with brain and eye anomalies), type A3. Also called: Congenital muscular dystrophy-dystroglycanopathy with brain and eye anomalies, type A3; Muscular dystrophy-dystroglycanopathy (congenital with brain and eye anomalies), type A, 3; WALKER-WARBURG SYNDROME OR MUSCLE-EYE-BRAIN DISEASE, POMGNT1-RELATED. Identifiers: MedGen C3151519, MONDO:0009667, OMIM 253280.
Muscular dystrophy-dystroglycanopathy (congenital with impaired intellectual development), type B, 3. Also called: Muscular dystrophy-dystroglycanopathy (congenital with intellectual disability), type B3; MUSCULAR DYSTROPHY, CONGENITAL, POMGNT1-RELATED. Identifiers: MedGen C3150412, MONDO:0013155, OMIM 613151.
Retinitis pigmentosa 76 (RP76). Identifiers: MedGen C4310704, MONDO:0014929, OMIM 617123.

Submissions (2):

Fulgent Genetics
Classification: Likely pathogenic for Muscular dystrophy-dystroglycanopathy (congenital with brain and eye anomalies), type A3; Muscular dystrophy-dystroglycanopathy (congenital with impaired intellectual development), type B, 3; Autosomal recessive limb-girdle muscular dystrophy type 2O; Retinitis pigmentosa 76. Last evaluated: 2024-01-09. Review status: criteria provided, single submitter. Criteria: ACMG Guidelines, 2015. Collection method: clinical testing. Allele origin: germline.

Labcorp Genetics (formerly Invitae), Labcorp
Classification: Pathogenic for Autosomal recessive limb-girdle muscular dystrophy type 2O; Muscular dystrophy-dystroglycanopathy (congenital with impaired intellectual development), type B, 3. Last evaluated: 2022-08-01. Review status: criteria provided, single submitter. Criteria: Invitae Variant Classification Sherloc (09022015). Collection method: clinical testing. Allele origin: germline.
Comment: For these reasons, this variant has been classified as Pathogenic. ClinVar contains an entry for this variant (Variation ID: 651215). This variant has not been reported in the literature in individuals affected with POMGNT1-related conditions. This variant is not present in population databases (gnomAD no frequency). This sequence change creates a premature translational stop signal (p.Thr334Serfs*4) in the POMGNT1 gene. It is expected to result in an absent or disrupted protein product. Loss-of-function variants in POMGNT1 are known to be pathogenic (PMID: 19299310, 20816175, 21447391, 26908613, 27391550).

Literature cited by the submitters: PubMed 19299310 (cited by Labcorp Genetics (formerly Invitae), Labcorp); PubMed 20816175 (cited by Labcorp Genetics (formerly Invitae), Labcorp); PubMed 21447391 (cited by Labcorp Genetics (formerly Invitae), Labcorp); PubMed 26908613 (cited by Labcorp Genetics (formerly Invitae), Labcorp); PubMed 27391550 (cited by Labcorp Genetics (formerly Invitae), Labcorp).